The following is an entry in ClinVar:

NM_006031.6(PCNT):c.2990_2991del (p.Asp996_Phe997insTer)

Gene: PCNT (pericentrin; plus strand). Cytogenetic location: 21q22.3.
Variant type: Deletion.
Coding change: c.2990_2991del on transcript NM_006031.6 (MANE Select); coding-DNA positions 2990 to 2991, 2 bases deleted (TT; older notation c.2990_2991delTT).
Protein change: p.Asp996_Phe997insTer.
Molecular consequence: nonsense.
Genome position (GRCh38, 1-based): chr21:46,366,964-46,366,965, TT deleted; deleting any 2 consecutive bases within chr21:46,366,963-46,366,965 gives the same sequence; the c. name uses the placement nearest the transcript's 3' end. VCF-style (leftmost placement, unchanged base first): chr21-46366962-CTT-C. GRCh37 (hg19) VCF-style: chr21-47786877-CTT-C.
Other names: c.2636_2637del, p.Asp878_Phe879insTer (NM_001315529.2).
Identifiers: ClinVar variation 4995712 (VCV004995712.1).

ClinVar aggregate classification (germline): Likely pathogenic (1 of 4 stars; one submission).

Conditions:
PCNT-related disorder. Also called: PCNT-related condition.

Submission:

PreventionGenetics, part of Exact Sciences
Classification: Likely pathogenic for PCNT-related condition. Last evaluated: 2025-12-18. Review status: criteria provided, single submitter. Criteria: ACMG Guidelines, 2015. Collection method: clinical testing. Allele origin: germline.
Comment: The PCNT c.2990_2991delTT variant is predicted to result in premature protein termination (p.Phe997*). To our knowledge, this variant has not been reported in the literature. This variant is reported in 0.00088% of alleles in individuals of European (Non-Finnish) descent in gnomAD. Nonsense variants in PCNT are expected to be pathogenic. This variant is interpreted as likely pathogenic.